The following is an entry in ClinVar:

ClinVar aggregate classification (germline): Pathogenic (1 of 4 stars; one submission).

Conditions:
Autosomal recessive nonsyndromic hearing loss 21. Identifiers: Orphanet 90636, MedGen C1863655, MONDO:0011351, OMIM 603629.

gnomAD v4.1: 2 of 1,614,176 alleles (0.00012%); highest among the groups gnomAD compares: East Asian, 0.0045%; no homozygotes.

Submission:

Women's Health and Genetics/Laboratory Corporation of America, LabCorp
Classification: Pathogenic for Autosomal recessive nonsyndromic hearing loss 21. Last evaluated: 2024-11-13. Review status: criteria provided, single submitter. Criteria: LabCorp Variant Classification Summary - May 2015. Collection method: clinical testing. Allele origin: germline.
Comment: Variant summary: TECTA c.990C>A (p.Tyr330X) results in a premature termination codon, predicted to cause a truncation of the encoded protein or absence of the protein due to nonsense mediated decay, which are commonly known mechanisms for disease. The variant allele was found at a frequency of 8e-06 in 251478 control chromosomes. c.990C>A has been reported in the literature in at least one homozygous individual affected with non-syndromic deafness (e.g. Yang_2013). To our knowledge, no experimental evidence demonstrating an impact on protein function has been reported. The following publication has been ascertained in the context of this evaluation (PMID: 23767834). No submitters have cited clinical-significance assessments for this variant to ClinVar. Based on the evidence outlined above, the variant was classified as pathogenic.

Literature cited by the submitters: PubMed 23767834.

NM_005422.4(TECTA):c.990C>A (p.Tyr330Ter)

Genes: TBCEL-TECTA (TBCEL-TECTA readthrough; plus strand), TECTA (tectorin alpha; plus strand). Cytogenetic location: 11q23.3.
Variant type: single nucleotide variant.
Coding change: c.990C>A on transcript NM_005422.4 (MANE Select); coding-DNA position 990, C replaced by A.
Protein change: p.Tyr330Ter; replaces tyrosine 330 with a stop codon.
Molecular consequence: nonsense.
Genome position (GRCh38, 1-based): chr11:121,118,505, C>A. VCF-style: chr11-121118505-C-A. GRCh37 (hg19) VCF-style: chr11-120989214-C-A.
Other names: c.1947C>A, p.Tyr649Ter (NM_001378761.1); short protein forms Y330*, Y649*.
Identifiers: ClinVar variation 3629667 (VCV003629667.1).